The following is an entry in ClinVar:

ClinVar aggregate classification (germline): Uncertain significance (1 of 4 stars; one submission).

Conditions:
Inborn genetic diseases. Identifiers: MedGen C0950123, MeSH D030342.

Submission:

Ambry Genetics
Classification: Uncertain significance for Inborn genetic diseases. Last evaluated: 2024-02-20. Review status: criteria provided, single submitter. Criteria: Ambry Variant Classification Scheme 2023. Collection method: clinical testing. Allele origin: germline.
Comment: The p.N693Y variant (also known as c.2077A>T), located in coding exon 18 of the LRRK2 gene, results from an A to T substitution at nucleotide position 2077. The asparagine at codon 693 is replaced by tyrosine, an amino acid with dissimilar properties. This amino acid position is conserved. In addition, this alteration is predicted to be tolerated by in silico analysis. Based on the available evidence, the clinical significance of this alteration remains unclear.

NM_198578.4(LRRK2):c.2077A>T (p.Asn693Tyr)

Gene: LRRK2 (leucine rich repeat kinase 2; plus strand). Cytogenetic location: 12q12.
Variant type: single nucleotide variant.
Coding change: c.2077A>T on transcript NM_198578.4 (MANE Select); coding-DNA position 2077, A replaced by T.
Protein change: p.Asn693Tyr; replaces asparagine 693 with tyrosine.
Molecular consequence: missense variant.
Genome position (GRCh38, 1-based): chr12:40,278,097, A>T. VCF-style: chr12-40278097-A-T. GRCh37 (hg19) VCF-style: chr12-40671899-A-T.
Other names: short protein forms N693Y.
Identifiers: ClinVar variation 3229539 (VCV003229539.1), dbSNP rs2499638507, ClinGen allele CA384404912.